The following is an entry in ClinVar:

NM_139027.6(ADAMTS13):c.10C>T (p.Arg4Cys)

Gene: ADAMTS13 (ADAM metallopeptidase with thrombospondin type 1 motif 13; plus strand). Cytogenetic location: 9q34.2.
Variant type: single nucleotide variant.
Coding change: c.10C>T on transcript NM_139027.6 (MANE Select); coding-DNA position 10, C replaced by T.
Protein change: p.Arg4Cys; replaces arginine 4 with cysteine.
Molecular consequence: missense variant.
Genome position (GRCh38, 1-based): chr9:133,422,453, C>T. VCF-style: chr9-133422453-C-T. GRCh37 (hg19) VCF-style: chr9-136287573-C-T.
Other names: c.10C>T, p.Arg4Cys (NM_139025.5, NM_139026.6); short protein forms R4C.
Identifiers: ClinVar variation 2176619 (VCV002176619.2), dbSNP rs782204201, ClinGen allele CA200878998.

ClinVar aggregate classification (germline): Uncertain significance (1 of 4 stars; one submission).

Allele frequency attached by ClinVar (database versions not stated): gnomAD 0.00001; gnomAD exomes 0.00001; TOPMed 0.00001; ExAC 0.00003.
gnomAD v4.1: 17 of 1,613,636 alleles (0.0011%); highest among the groups gnomAD compares: East Asian, 0.0022%; no homozygotes.

Submission:

Labcorp Genetics (formerly Invitae), Labcorp
Classification: Uncertain significance. Last evaluated: 2024-04-29. Review status: criteria provided, single submitter. Criteria: Invitae Variant Classification Sherloc (09022015). Collection method: clinical testing. Allele origin: germline.
Comment: This sequence change replaces arginine, which is basic and polar, with cysteine, which is neutral and slightly polar, at codon 4 of the ADAMTS13 protein (p.Arg4Cys). This variant is present in population databases (rs782204201, gnomAD 0.006%). This missense change has been observed in individual(s) with clinical features of ADAMTS13-related conditions (PMID: 31501239). ClinVar contains an entry for this variant (Variation ID: 2176619). An algorithm developed to predict the effect of missense changes on protein structure and function (PolyPhen-2) suggests that this variant¬†is likely to be tolerated. In summary, the available evidence is currently insufficient to determine the role of this variant in disease. Therefore, it has been classified as a Variant of Uncertain Significance.

Literature cited by the submitters: PubMed 31501239.